The following is an entry in ClinVar:

NM_002485.5(NBN):c.1194A>T (p.Gln398His)

Gene: NBN (nibrin; minus strand). Cytogenetic location: 8q21.3.
Variant type: single nucleotide variant.
Coding change: c.1194A>T on transcript NM_002485.5 (MANE Select); coding-DNA position 1194, A replaced by T.
Protein change: p.Gln398His; replaces glutamine 398 with histidine.
Molecular consequence: missense variant.
Genome position (GRCh38, 1-based): chr8:89,955,486, T>A on the plus strand (A>T on the coding strand, the complement: NBN is on the minus strand). VCF-style: chr8-89955486-T-A. GRCh37 (hg19) VCF-style: chr8-90967714-T-A.
Other names: c.948A>T, p.Gln316His (NM_001024688.3, NM_001440379.1, NM_001440380.1); short protein forms Q316H, Q398H.
Identifiers: ClinVar variation 4843329 (VCV004843329.1).

ClinVar aggregate classification (germline): Uncertain significance (1 of 4 stars; one submission).

Conditions:
Hereditary cancer-predisposing syndrome. Also called: Neoplastic Syndromes, Hereditary; Tumor predisposition; Hereditary Cancer Syndrome; Hereditary neoplastic syndrome. Identifiers: Orphanet 140162, MedGen C0027672, MeSH D009386, MONDO:0015356.

Submission:

Ambry Genetics
Classification: Uncertain significance for Hereditary cancer-predisposing syndrome. Last evaluated: 2026-01-01. Review status: criteria provided, single submitter. Criteria: Ambry Variant Classification Scheme 2023. Collection method: clinical testing. Allele origin: germline.
Comment: The p.Q398H variant (also known as c.1194A>T), located in coding exon 10 of the NBN gene, results from an A to T substitution at nucleotide position 1194. The glutamine at codon 398 is replaced by histidine, an amino acid with highly similar properties. This amino acid position is conserved. In addition, this alteration is predicted to be tolerated by in silico analysis. Based on the available evidence, the clinical significance of this variant remains unclear.